The following is an entry in ClinVar:

NM_199161.5(SAA1):c.69G>A (p.Ser23=)

Gene: SAA1 (serum amyloid A1; plus strand). Cytogenetic location: 11p15.1.
Variant type: single nucleotide variant.
Coding change: c.69G>A on transcript NM_199161.5 (MANE Select); coding-DNA position 69, G replaced by A.
Protein change: p.Ser23=; no amino-acid change (serine 23 retained).
Molecular consequence: synonymous variant.
Genome position (GRCh38, 1-based): chr11:18,266,956, G>A. VCF-style: chr11-18266956-G-A. GRCh37 (hg19) VCF-style: chr11-18288503-G-A.
Other names: c.69G>A, p.Ser23= (NM_000331.6, NM_001178006.3).
Identifiers: ClinVar variation 4083990 (VCV004083990.8).

ClinVar aggregate classification (germline): Likely benign (1 of 4 stars; one submission).

gnomAD v4.1: 223 of 1,609,604 alleles (0.014%); highest among the groups gnomAD compares: African/African-American, 0.17%; 1 homozygote.

Submission:

CeGaT Center for Human Genetics Tuebingen
Classification: Likely benign. Last evaluated: 2025-08-01. Review status: criteria provided, single submitter. Criteria: CeGaT Center For Human Genetics Tuebingen Variant Classification Criteria Version 2. Collection method: clinical testing. Allele origin: germline. Affected: yes. Observed: 1 variant allele.
Comment: SAA1: BP4, BP7